The following is an entry in ClinVar:

ClinVar aggregate classification (germline): Conflicting classifications of pathogenicity. Review status: criteria provided, conflicting classifications (1 of 4 stars). 2 submissions from 2 submitters: Uncertain significance (1); Likely benign (1). Last evaluated 2025-01-30.

Conditions:
NFATC1-related disorder. Also called: NFATC1-related condition.

gnomAD v4.1: 177 of 1,613,132 alleles (0.011%); highest among the groups gnomAD compares: African/African-American, 0.04%; no homozygotes.

Submissions (2):

PreventionGenetics, part of Exact Sciences
Classification: Likely benign for NFATC1-related condition. Last evaluated: 2025-01-30. Review status: criteria provided, single submitter. Criteria: ACMG Guidelines, 2015. Collection method: clinical testing. Allele origin: germline.
Comment: This variant is classified as likely benign based on ACMG/AMP sequence variant interpretation guidelines (Richards et al. 2015 PMID: 25741868, with internal and published modifications).

Labcorp Genetics (formerly Invitae), Labcorp
Classification: Uncertain significance. Last evaluated: 2024-10-29. Review status: criteria provided, single submitter. Criteria: Invitae Variant Classification Sherloc (09022015). Collection method: clinical testing. Allele origin: germline.
Comment: This sequence change replaces glycine, which is neutral and non-polar, with serine, which is neutral and polar, at codon 573 of the NFATC1 protein (p.Gly573Ser). This variant is present in population databases (rs73007698, gnomAD 0.2%), and has an allele count higher than expected for a pathogenic variant. This variant has not been reported in the literature in individuals affected with NFATC1-related conditions. An algorithm developed to predict the effect of missense changes on protein structure and function (PolyPhen-2) suggests that this variant is likely to be disruptive. In summary, the available evidence is currently insufficient to determine the role of this variant in disease. Therefore, it has been classified as a Variant of Uncertain Significance.

NM_001278669.2(NFATC1):c.1717G>A (p.Gly573Ser)

Gene: NFATC1 (nuclear factor of activated T cells 1; plus strand). Cytogenetic location: 18q23.
Variant type: single nucleotide variant.
Coding change: c.1717G>A on transcript NM_001278669.2 (MANE Select); coding-DNA position 1717, G replaced by A.
Protein change: p.Gly573Ser; replaces glycine 573 with serine.
Molecular consequence: missense variant.
Genome position (GRCh38, 1-based): chr18:79,451,081, G>A. VCF-style: chr18-79451081-G-A. GRCh37 (hg19) VCF-style: chr18-77211081-G-A.
Other names: c.1717G>A, p.Gly573Ser (NM_001278670.2, NM_006162.5, NM_172390.3); c.1678G>A, p.Gly560Ser (NM_001278672.2, NM_001278675.2, NM_172387.3 and 1 more transcripts); c.301G>A, p.Gly101Ser (NM_001278673.2, NM_172388.3); c.1717G>A (NM_001278669.1); short protein forms G560S, G101S, G573S.
Identifiers: ClinVar variation 3670160 (VCV003670160.3).